The following is an entry in ClinVar:

ClinVar aggregate classification (germline): Uncertain significance (1 of 4 stars; one submission).

Submission:

Labcorp Genetics (formerly Invitae), Labcorp
Classification: Uncertain significance. Last evaluated: 2022-08-15. Review status: criteria provided, single submitter. Criteria: Invitae Variant Classification Sherloc (09022015). Collection method: clinical testing. Allele origin: germline.
Comment: In summary, the available evidence is currently insufficient to determine the role of this variant in disease. Therefore, it has been classified as a Variant of Uncertain Significance. Algorithms developed to predict the effect of missense changes on protein structure and function are either unavailable or do not agree on the potential impact of this missense change (SIFT: "Deleterious"; PolyPhen-2: "Benign"; Align-GVGD: "Class C0"). ClinVar contains an entry for this variant (Variation ID: 1511704). This variant has not been reported in the literature in individuals affected with BCL11B-related conditions. This variant is not present in population databases (gnomAD no frequency). This sequence change replaces alanine, which is neutral and non-polar, with glycine, which is neutral and non-polar, at codon 716 of the BCL11B protein (p.Ala716Gly).

NM_138576.4(BCL11B):c.2147C>G (p.Ala716Gly)

Gene: BCL11B (BCL11 transcription factor B; minus strand). Cytogenetic location: 14q32.2.
Variant type: single nucleotide variant.
Coding change: c.2147C>G on transcript NM_138576.4 (MANE Select); coding-DNA position 2147, C replaced by G.
Protein change: p.Ala716Gly; replaces alanine 716 with glycine.
Molecular consequence: missense variant.
Genome position (GRCh38, 1-based): chr14:99,174,689, G>C on the plus strand (C>G on the coding strand, the complement: BCL11B is on the minus strand). VCF-style: chr14-99174689-G-C. GRCh37 (hg19) VCF-style: chr14-99641026-G-C.
Other names: c.2144C>G, p.Ala715Gly (NM_001282237.2); c.1931C>G, p.Ala644Gly (NM_001282238.2); c.1934C>G, p.Ala645Gly (NM_022898.3); short protein forms A715G, A716G, A644G, A645G.
Identifiers: ClinVar variation 1511704 (VCV001511704.8), dbSNP rs761140637, ClinGen allele CA390933858.